The following is an entry in ClinVar:

NM_138422.4(ADAT3):c.545C>G (p.Ser182Cys)

Genes: ADAT3 (adenosine deaminase tRNA specific 3; plus strand), SCAMP4 (secretory carrier membrane protein 4; plus strand). Cytogenetic location: 19p13.3.
Variant type: single nucleotide variant.
Coding change: c.545C>G on transcript NM_138422.4 (MANE Select); coding-DNA position 545, C replaced by G.
Protein change: p.Ser182Cys; replaces serine 182 with cysteine.
Molecular consequence: missense variant. On other transcripts: intron variant (3).
Genome position (GRCh38, 1-based): chr19:1,912,592, C>G. VCF-style: chr19-1912592-C-G. GRCh37 (hg19) VCF-style: chr19-1912591-C-G.
Other names: c.497C>G, p.Ser166Cys (NM_001329533.2); c.-41-2387C>G (NM_079834.4, NM_001329540.2); c.-125-5102C>G (NM_001329539.2); short protein forms S166C, S182C.
Identifiers: ClinVar variation 3371653 (VCV003371653.1).

ClinVar aggregate classification (germline): Uncertain significance (1 of 4 stars; one submission).

gnomAD v4.1: 35 of 1,493,242 alleles (0.0023%); highest among the groups gnomAD compares: African/African-American, 0.041%; no homozygotes.

Submission:

GeneDx
Classification: Uncertain significance. Last evaluated: 2024-03-26. Review status: criteria provided, single submitter. Criteria: GeneDx Variant Classification Process June 2021. Collection method: clinical testing. Allele origin: germline. Affected: yes.
Comment: In silico analysis supports that this missense variant has a deleterious effect on protein structure/function; Has not been previously published as pathogenic or benign to our knowledge